The following is an entry in ClinVar:

ClinVar aggregate classification (germline): Pathogenic (1 of 4 stars; one submission).

Conditions:
Hereditary spastic paraplegia 39 (SPG39). Also called: Spastic Paraplegia Type 39 (SPG39); SPASTIC PARAPLEGIA 39, AUTOSOMAL RECESSIVE. Identifiers: Orphanet 139480, MedGen C2677586, MONDO:0012787, OMIM 612020.

gnomAD v4.1: 1 of 1,613,282 alleles (0.000062%); highest among the groups gnomAD compares: East Asian, 0.0022%; no homozygotes.

Submission:

Labcorp Genetics (formerly Invitae), Labcorp
Classification: Pathogenic for Hereditary spastic paraplegia 39. Last evaluated: 2025-01-14. Review status: criteria provided, single submitter. Criteria: Invitae Variant Classification Sherloc (09022015). Collection method: clinical testing. Allele origin: germline.
Comment: This sequence change creates a premature translational stop signal (p.Tyr619*) in the PNPLA6 gene. It is expected to result in an absent or disrupted protein product. Loss-of-function variants in PNPLA6 are known to be pathogenic (PMID: 24355708). This variant is not present in population databases (gnomAD no frequency). This variant has not been reported in the literature in individuals affected with PNPLA6-related conditions. For these reasons, this variant has been classified as Pathogenic.

Literature cited by the submitters: PubMed 24355708.

NM_001166114.2(PNPLA6):c.1974C>A (p.Tyr658Ter)

Gene: PNPLA6 (patatin like domain 6, lysophospholipase; plus strand). Cytogenetic location: 19p13.2.
Variant type: single nucleotide variant.
Coding change: c.1974C>A on transcript NM_001166114.2 (MANE Select); coding-DNA position 1974, C replaced by A.
Protein change: p.Tyr658Ter; replaces tyrosine 658 with a stop codon.
Molecular consequence: nonsense.
Genome position (GRCh38, 1-based): chr19:7,550,544, C>A. VCF-style: chr19-7550544-C-A. GRCh37 (hg19) VCF-style: chr19-7615430-C-A.
Other names: c.2001C>A, p.Tyr667Ter (NM_001166111.2); c.1779C>A, p.Tyr593Ter (NM_001166112.2); c.1857C>A, p.Tyr619Ter (NM_001166113.1, NM_006702.5); short protein forms Y667*, Y658*, Y619*, Y593*.
Identifiers: ClinVar variation 3661876 (VCV003661876.2).